The following is an entry in ClinVar:

ClinVar aggregate classification (germline): Uncertain significance (1 of 4 stars; one submission).

Conditions:
Pancreatic adenocarcinoma. Identifiers: MedGen C0281361, MONDO:0006047, HP:0006725.

Submission:

Labcorp Genetics (formerly Invitae), Labcorp
Classification: Uncertain significance for Pancreatic adenocarcinoma. Last evaluated: 2025-02-25. Review status: criteria provided, single submitter. Criteria: Invitae Variant Classification Sherloc (09022015). Collection method: clinical testing. Allele origin: germline.
Comment: This sequence change replaces alanine, which is neutral and non-polar, with threonine, which is neutral and polar, at codon 367 of the PALLD protein (p.Ala367Thr). This variant is not present in population databases (gnomAD no frequency). This variant has not been reported in the literature in individuals affected with PALLD-related conditions. An algorithm developed to predict the effect of missense changes on protein structure and function (PolyPhen-2) suggests that this variant is likely to be disruptive. In summary, the available evidence is currently insufficient to determine the role of this variant in disease. Therefore, it has been classified as a Variant of Uncertain Significance.

NM_001166108.2(PALLD):c.2611G>A (p.Ala871Thr)

Genes: CBR4 (carbonyl reductase 4; minus strand), PALLD (palladin, cytoskeletal associated protein; plus strand). Cytogenetic location: 4q32.3.
Variant type: single nucleotide variant.
Coding change: c.2611G>A on transcript NM_001166108.2 (MANE Select); coding-DNA position 2611, G replaced by A.
Protein change: p.Ala871Thr; replaces alanine 871 with threonine.
Molecular consequence: missense variant.
Genome position (GRCh38, 1-based): chr4:168,903,895, G>A. VCF-style: chr4-168903895-G-A. GRCh37 (hg19) VCF-style: chr4-169825046-G-A.
Other names: c.1414G>A, p.Ala472Thr (NM_001166109.2); c.1099G>A, p.Ala367Thr (NM_001166110.2); c.439G>A, p.Ala147Thr (NM_001367567.1, NM_001367569.1); c.490G>A, p.Ala164Thr (NM_001367568.1, NM_001367570.1); c.2560G>A, p.Ala854Thr (NM_016081.4); short protein forms A472T, A871T, A147T, A164T, A367T, A854T.
Identifiers: ClinVar variation 4713761 (VCV004713761.1).